The following is an entry in ClinVar:

ClinVar aggregate classification (germline): Uncertain significance (1 of 4 stars; one submission).

Conditions:
Hereditary cancer-predisposing syndrome. Also called: Tumor predisposition; Hereditary neoplastic syndrome; Hereditary Cancer Syndrome; Neoplastic Syndromes, Hereditary. Identifiers: Orphanet 140162, MedGen C0027672, MeSH D009386, MONDO:0015356.

Submission:

Ambry Genetics
Classification: Uncertain significance for Hereditary cancer-predisposing syndrome. Last evaluated: 2025-05-02. Review status: criteria provided, single submitter. Criteria: Ambry Variant Classification Scheme 2023. Collection method: clinical testing. Allele origin: germline.
Comment: The p.I188M variant (also known as c.564C>G), located in coding exon 3 of the TMEM127 gene, results from a C to G substitution at nucleotide position 564. The isoleucine at codon 188 is replaced by methionine, an amino acid with highly similar properties. This amino acid position is conserved. In addition, this alteration is predicted to be deleterious by in silico analysis. Based on the available evidence, the clinical significance of this variant remains unclear.

NM_017849.4(TMEM127):c.564C>G (p.Ile188Met)

Gene: TMEM127 (transmembrane protein 127; minus strand). Cytogenetic location: 2q11.2.
Variant type: single nucleotide variant.
Coding change: c.564C>G on transcript NM_017849.4 (MANE Select); coding-DNA position 564, C replaced by G.
Protein change: p.Ile188Met; replaces isoleucine 188 with methionine.
Molecular consequence: missense variant.
Genome position (GRCh38, 1-based): chr2:96,253,961, G>C on the plus strand (C>G on the coding strand, the complement: TMEM127 is on the minus strand). VCF-style: chr2-96253961-G-C. GRCh37 (hg19) VCF-style: chr2-96919699-G-C.
Other names: c.564C>G, p.Ile188Met (NM_001193304.3); c.312C>G, p.Ile104Met (NM_001407282.1, NM_001407283.1); short protein forms I188M, I104M.
Identifiers: ClinVar variation 3969905 (VCV003969905.1).